The following is an entry in ClinVar:

ClinVar aggregate classification (germline): Uncertain significance (1 of 4 stars; one submission).

Conditions:
Hereditary cancer-predisposing syndrome. Also called: Neoplastic Syndromes, Hereditary; Tumor predisposition; Hereditary neoplastic syndrome; Hereditary Cancer Syndrome. Identifiers: Orphanet 140162, MedGen C0027672, MeSH D009386, MONDO:0015356.

Submission:

Color Diagnostics, LLC DBA Color Health
Classification: Uncertain significance for Hereditary cancer-predisposing syndrome. Last evaluated: 2023-12-05. Review status: criteria provided, single submitter. Criteria: ACMG Guidelines, 2015. Collection method: clinical testing. Allele origin: germline.
Comment: This missense variant replaces glutamine with histidine at codon 222 of the RAD51C protein. Computational prediction suggests that this variant may not impact protein structure and function (internally defined REVEL score threshold <= 0.5, PMID: 27666373). To our knowledge, functional studies have not been reported for this variant. This variant has not been reported in individuals affected with RAD51C-related disorders in the literature. This variant has not been identified in the general population by the Genome Aggregation Database (gnomAD). The available evidence is insufficient to determine the role of this variant in disease conclusively. Therefore, this variant is classified as a Variant of Uncertain Significance.

NM_058216.3(RAD51C):c.666A>C (p.Gln222His)

Genes: RAD51C (RAD51 paralog C; plus strand), LOC129390903 (MPRA-validated peak2919 silencer; plus strand). Cytogenetic location: 17q22.
Variant type: single nucleotide variant.
Coding change: c.666A>C on transcript NM_058216.3 (MANE Select); coding-DNA position 666, A replaced by C.
Protein change: p.Gln222His; replaces glutamine 222 with histidine.
Molecular consequence: missense variant. On other transcripts: non-coding transcript variant (1).
Genome position (GRCh38, 1-based): chr17:58,703,290, A>C. VCF-style: chr17-58703290-A-C. GRCh37 (hg19) VCF-style: chr17-56780651-A-C.
Other names: short protein forms Q222H.
Identifiers: ClinVar variation 627998 (VCV000627998.5), dbSNP rs1567794382, ClinGen allele CA400349839.